The following is an entry in ClinVar:

ClinVar aggregate classification (germline): Conflicting classifications of pathogenicity. Review status: criteria provided, conflicting classifications (1 of 4 stars). 4 submissions from 4 submitters: Uncertain significance (2); Likely benign (2). Last evaluated 2026-03-09.

Conditions:
Tuberous sclerosis syndrome (TSC). Also called: Tuberous Sclerosis Complex; Tuberous sclerosis. Identifiers: Orphanet 805, MedGen C0041341, MONDO:0001734.
Tuberous sclerosis 2 (TSC2). Identifiers: Orphanet 805, MedGen C1860707, MONDO:0013199, OMIM 613254.
Hereditary cancer-predisposing syndrome. Also called: Hereditary Cancer Syndrome; Hereditary neoplastic syndrome; Tumor predisposition; Neoplastic Syndromes, Hereditary. Identifiers: Orphanet 140162, MedGen C0027672, MeSH D009386, MONDO:0015356.

Submissions (4):

GeneDx
Classification: Uncertain significance. Last evaluated: 2026-03-09. Review status: criteria provided, single submitter. Criteria: GeneDx Variant Classification Process June 2021. Collection method: clinical testing. Allele origin: germline.
Comment: Has not been previously published as pathogenic or benign to our knowledge; In silico analysis is inconclusive as to whether the variant alters gene splicing. In the absence of RNA/functional studies, the actual effect of this sequence change is unknown.

Color Diagnostics, LLC DBA Color Health
Classification: Likely benign for Tuberous sclerosis syndrome. Last evaluated: 2025-07-20. Review status: criteria provided, single submitter. Criteria: ACMG Guidelines, 2015. Collection method: clinical testing. Allele origin: germline.

Labcorp Genetics (formerly Invitae), Labcorp
Classification: Likely benign for Tuberous sclerosis 2. Last evaluated: 2025-01-19. Review status: criteria provided, single submitter. Criteria: Invitae Variant Classification Sherloc (09022015). Collection method: clinical testing. Allele origin: germline.

Ambry Genetics
Classification: Uncertain significance for Hereditary cancer-predisposing syndrome. Last evaluated: 2024-01-31. Review status: criteria provided, single submitter. Criteria: Ambry Variant Classification Scheme 2023. Collection method: clinical testing. Allele origin: germline.
Comment: The c.849-4_849-3delTT intronic variant begins 4 nucleotide(s) before coding exon 9 in the TSC2 gene. This variant results from a deletion of 2 nucleotides at positions c.849-4 to c.849-3. This nucleotide region is not well conserved in available vertebrate species. In silico splice site analysis predicts that this alteration will not have any significant effect on splicing. Based on the available evidence, the clinical significance of this alteration remains unclear.

NM_000548.5(TSC2):c.849-4_849-3del

Gene: TSC2 (TSC complex subunit 2; plus strand). Cytogenetic location: 16p13.3.
Variant type: Deletion.
Coding change: c.849-4_849-3del on transcript NM_000548.5 (MANE Select); 4 bases into the intron before coding-DNA position 849 through 3 bases into the intron before coding-DNA position 849, 2 bases deleted (TT; older notation c.849-4_849-3delTT).
Molecular consequence: intron variant.
Genome position (GRCh38, 1-based): chr16:2,058,743-2,058,744, TT deleted; deleting any 2 consecutive bases within chr16:2,058,741-2,058,744 gives the same sequence; the c. name uses the placement nearest the transcript's 3' end. VCF-style (leftmost placement, unchanged base first): chr16-2058740-CTT-C. GRCh37 (hg19) VCF-style: chr16-2108741-CTT-C.
Other names: c.849-4_849-3delTT (NM_000548.3); c.849-4_849-3del (NM_001114382.3, NM_021055.3, NM_001370405.1 and 3 more transcripts); c.738-4_738-3del (NM_001318827.2); c.249-4_249-3del (NM_001318831.2); c.702-4_702-3del (NM_001318829.2); c.882-4_882-3del (NM_001318832.2).
Identifiers: ClinVar variation 853287 (VCV000853287.9), dbSNP rs1295449344, ClinGen allele CA620373310.